The following is an entry in ClinVar:

ClinVar aggregate classification (germline): Uncertain significance (1 of 4 stars; one submission).

Conditions:
Cardiovascular phenotype. Identifiers: MedGen CN230736.

Submission:

Ambry Genetics
Classification: Uncertain significance for Cardiovascular phenotype. Last evaluated: 2023-09-05. Review status: criteria provided, single submitter. Criteria: Ambry Variant Classification Scheme 2023. Collection method: clinical testing. Allele origin: germline.
Comment: The p.Q1147K variant (also known as c.3439C>A), located in coding exon 23 of the DSP gene, results from a C to A substitution at nucleotide position 3439. The glutamine at codon 1147 is replaced by lysine, an amino acid with similar properties. This amino acid position is conserved. In addition, the in silico prediction for this alteration is inconclusive. Since supporting evidence is limited at this time, the clinical significance of this alteration remains unclear.

NM_004415.4(DSP):c.3439C>A (p.Gln1147Lys)

Gene: DSP (desmoplakin; plus strand). Cytogenetic location: 6p24.3.
Variant type: single nucleotide variant.
Coding change: c.3439C>A on transcript NM_004415.4 (MANE Select); coding-DNA position 3439, C replaced by A.
Protein change: p.Gln1147Lys; replaces glutamine 1147 with lysine.
Molecular consequence: missense variant.
Genome position (GRCh38, 1-based): chr6:7,579,629, C>A. VCF-style: chr6-7579629-C-A. GRCh37 (hg19) VCF-style: chr6-7579862-C-A.
Other names: c.3439C>A, p.Gln1147Lys (NM_001008844.3, NM_001319034.2); short protein forms Q1147K.
Identifiers: ClinVar variation 2587399 (VCV002587399.2), dbSNP rs2113691766, ClinGen allele CA362684054.